The following is an entry in ClinVar:

ClinVar aggregate classification (germline): Conflicting classifications of pathogenicity. Review status: criteria provided, conflicting classifications (1 of 4 stars). 2 submissions from 2 submitters: Pathogenic (1); Uncertain significance (1). Last evaluated 2021-05-05.

Conditions:
Medium-chain acyl-coenzyme A dehydrogenase deficiency (ACADMD). Also called: MCAD Deficiency; MCADH DEFICIENCY; Medium chain acyl-CoA dehydrogenase deficiency; MCADD; ACADM DEFICIENCY; CARNITINE DEFICIENCY SECONDARY TO MEDIUM-CHAIN ACYL-CoA DEHYDROGENASE DEFICIENCY. Identifiers: Orphanet 42, MedGen C0220710, MONDO:0008721, OMIM 201450.

Submissions (2):

Labcorp Genetics (formerly Invitae), Labcorp
Classification: Pathogenic for Medium-chain acyl-coenzyme A dehydrogenase deficiency. Last evaluated: 2021-05-05. Review status: criteria provided, single submitter. Criteria: Invitae Variant Classification Sherloc (09022015). Collection method: clinical testing. Allele origin: germline.
Comment: For these reasons, this variant has been classified as Pathogenic. Advanced modeling of protein sequence and biophysical properties (such as structural, functional, and spatial information, amino acid conservation, physicochemical variation, residue mobility, and thermodynamic stability) performed at Invitae indicates that this missense variant is expected to disrupt ACADM protein function. This variant has been observed in individual(s) with MCAD deficiency (Invitae). In at least one individual the data is consistent with the variant being in trans (on the opposite chromosome) from a pathogenic variant. ClinVar contains an entry for this variant (Variation ID: 280948). This variant is not present in population databases (ExAC no frequency). This sequence change replaces glutamic acid with lysine at codon 225 of the ACADM protein (p.Glu225Lys). The glutamic acid residue is moderately conserved and there is a small physicochemical difference between glutamic acid and lysine.

Eurofins Ntd Llc (ga)
Classification: Uncertain significance. Last evaluated: 2015-10-13. Review status: criteria provided, single submitter. Criteria: EGL Classification Definitions 2015. Collection method: clinical testing. Allele origin: germline. Observed: 2 variant alleles, 2 heterozygotes.

NM_000016.6(ACADM):c.673G>A (p.Glu225Lys)

Gene: ACADM (acyl-CoA dehydrogenase medium chain; plus strand). Cytogenetic location: 1p31.1.
Variant type: single nucleotide variant.
Coding change: c.673G>A on transcript NM_000016.6 (MANE Select); coding-DNA position 673, G replaced by A.
Protein change: p.Glu225Lys; replaces glutamic acid 225 with lysine.
Molecular consequence: missense variant.
Genome position (GRCh38, 1-based): chr1:75,745,879, G>A. VCF-style: chr1-75745879-G-A. GRCh37 (hg19) VCF-style: chr1-76211564-G-A.
Other names: c.685G>A, p.Glu229Lys (NM_001127328.3); c.565G>A, p.Glu189Lys (NM_001286042.2); c.772G>A, p.Glu258Lys (NM_001286043.2); c.106G>A, p.Glu36Lys (NM_001286044.2); short protein forms E225K, E189K, E229K, E258K, E36K.
Identifiers: ClinVar variation 280948 (VCV000280948.12), dbSNP rs886042056, ClinGen allele CA10603750.